The following is an entry in ClinVar:

ClinVar aggregate classification (germline): Uncertain significance (1 of 4 stars; one submission).

Submission:

GeneDx
Classification: Uncertain significance. Last evaluated: 2024-07-17. Review status: criteria provided, single submitter. Criteria: GeneDx Variant Classification Process June 2021. Collection method: clinical testing. Allele origin: germline. Affected: yes.
Comment: Not observed at significant frequency in large population cohorts (gnomAD); In silico analysis indicates that this missense variant does not alter protein structure/function; Has not been previously published as pathogenic or benign to our knowledge

NM_002547.3(OPHN1):c.2001G>C (p.Glu667Asp)

Gene: OPHN1 (oligophrenin 1; minus strand). Cytogenetic location: Xq12.
Variant type: single nucleotide variant.
Coding change: c.2001G>C on transcript NM_002547.3 (MANE Select); coding-DNA position 2001, G replaced by C.
Protein change: p.Glu667Asp; replaces glutamic acid 667 with aspartic acid.
Molecular consequence: missense variant.
Genome position (GRCh38, 1-based): chrX:68,064,011, C>G on the plus strand (G>C on the coding strand, the complement: OPHN1 is on the minus strand). VCF-style: chrX-68064011-C-G. GRCh37 (hg19) VCF-style: chrX-67283853-C-G.
Other names: short protein forms E667D.
Identifiers: ClinVar variation 3573648 (VCV003573648.1).
Genomic context (GRCh38, chrX:68,064,011, plus strand): 5'-CTTTGGGGTGATCTTGGTCCCTCCATCCTGCAGCCTAGACACCAACTTCCCCACGTCCAC[C>G]TCTGGGCAGGGCTCCAACTTGCCATCCAAAATAGGCCTGCTTGGGGACTTCCTCCCAGGA-3'
Protein context (NP_002538.1, residues 657-677): ILDGKLEPCP[Glu667Asp]VDVGKLVSRL